The following is an entry in ClinVar:

NC_012920.1(MT-CYB):m.15644A>G

Gene: MT-CYB (mitochondrially encoded cytochrome b; plus strand).
Variant type: single nucleotide variant.
Genome position: chrM-15644-A-G.
Identifiers: ClinVar variation 693920 (VCV000693920.1), dbSNP rs1603225400, ClinGen allele CA913174444.

ClinVar aggregate classification (germline): Benign (1 of 4 stars; one submission).

Conditions:
Leigh syndrome (NULS). Also called: Leigh's necrotizing encephalopathy; Leigh's disease; Leigh's syndrome; LEIGH SYNDROME, NUCLEAR; Leigh Syndrome (mtDNA deletion); Leigh Disease. Identifiers: Orphanet 506, MedGen C2931891, MONDO:0009723, OMIM 256000.

Submission:

Wong Mito Lab, Molecular and Human Genetics, Baylor College of Medicine
Classification: Benign for Leigh syndrome. Last evaluated: 2019-10-17. Review status: criteria provided, single submitter. Criteria: Modified ACMG Guidelines (Unpublished). Collection method: clinical testing. Allele origin: germline.
Comment: The NC_012920.1:m.15644A>G (YP_003024038.1:p.Ile300Val) variant in MTCYB gene is interpretated to be a Benign variant based on the modified ACMG guidelines (unpublished). This variant meets the following evidence codes: BS1, BS2, BP4